The following is an entry in ClinVar:

NM_001851.6(COL9A1):c.877-1G>T

Gene: COL9A1 (collagen type IX alpha 1 chain; minus strand). Cytogenetic location: 6q13.
Variant type: single nucleotide variant.
Coding change: c.877-1G>T on transcript NM_001851.6 (MANE Select); the canonical splice acceptor site of the intron before coding-DNA position 877, G replaced by T.
Molecular consequence: splice acceptor variant.
Genome position (GRCh38, 1-based): chr6:70,281,040, C>A on the plus strand (G>T on the coding strand, the complement: COL9A1 is on the minus strand). VCF-style: chr6-70281040-C-A. GRCh37 (hg19) VCF-style: chr6-70990743-C-A.
Other names: c.148-1G>T (NM_001377290.1, NM_078485.4, NM_001377289.1); c.877-1G>T (NM_001377291.1).
Identifiers: ClinVar variation 2697820 (VCV002697820.3), dbSNP rs2483456409, ClinGen allele CA364665893.

ClinVar aggregate classification (germline): Likely pathogenic (1 of 4 stars; one submission).

Submission:

Labcorp Genetics (formerly Invitae), Labcorp
Classification: Likely pathogenic. Last evaluated: 2023-11-28. Review status: criteria provided, single submitter. Criteria: Invitae Variant Classification Sherloc (09022015). Collection method: clinical testing. Allele origin: germline.
Comment: This sequence change affects an acceptor splice site in intron 8 of the COL9A1 gene. It is expected to disrupt RNA splicing. Variants that disrupt the donor or acceptor splice site typically lead to a loss of protein function (PMID: 16199547), and loss-of-function variants in COL9A1 are known to be pathogenic (PMID: 16909383, 21421862). This variant is not present in population databases (gnomAD no frequency). This variant has not been reported in the literature in individuals affected with COL9A1-related conditions. Algorithms developed to predict the effect of sequence changes on RNA splicing suggest that this variant may disrupt the consensus splice site. In summary, the currently available evidence indicates that the variant is pathogenic, but additional data are needed to prove that conclusively. Therefore, this variant has been classified as Likely Pathogenic.

Literature cited by the submitters: PubMed 16199547; PubMed 16909383; PubMed 21421862.